The following is an entry in ClinVar:

ClinVar aggregate classification (germline): Conflicting classifications of pathogenicity. Review status: criteria provided, conflicting classifications (1 of 4 stars). 3 submissions from 3 submitters: Uncertain significance (2); Benign (1). Last evaluated 2026-01-25.

Conditions:
Inborn genetic diseases. Identifiers: MedGen C0950123, MeSH D030342.

Allele frequency attached by ClinVar (database versions not stated): gnomAD exomes 0.00001; ExAC 0.00002; TOPMed 0.00004; gnomAD 0.00006; 1000 Genomes Project 30x 0.00016; 1000 Genomes Project 0.00020.
gnomAD v4.1: 28 of 1,613,746 alleles (0.0017%); highest among the groups gnomAD compares: African/African-American, 0.025%; no homozygotes.

Submissions (3):

Labcorp Genetics (formerly Invitae), Labcorp
Classification: Benign. Last evaluated: 2026-01-25. Review status: criteria provided, single submitter. Criteria: Invitae Variant Classification Sherloc (09022015). Collection method: clinical testing. Allele origin: germline.

Ambry Genetics
Classification: Uncertain significance for Inborn genetic diseases. Last evaluated: 2024-07-27. Review status: criteria provided, single submitter. Criteria: Ambry Variant Classification Scheme 2023. Collection method: clinical testing. Allele origin: germline.

GeneDx
Classification: Uncertain significance. Last evaluated: 2022-02-23. Review status: criteria provided, single submitter. Criteria: GeneDx Variant Classification Process June 2021. Collection method: clinical testing. Allele origin: germline. Affected: yes.
Comment: Has not been previously published as pathogenic or benign to our knowledge; Not observed at significant frequency in large population cohorts (gnomAD); In silico analysis supports that this missense variant does not alter protein structure/function; Not located in the triple helical region, where the majority of pathogenic missense variants occur (Acke et al., 2014)

NM_001854.4(COL11A1):c.1059A>T (p.Lys353Asn)

Gene: COL11A1 (collagen type XI alpha 1 chain; minus strand). Cytogenetic location: 1p21.1.
Variant type: single nucleotide variant.
Coding change: c.1059A>T on transcript NM_001854.4 (MANE Select); coding-DNA position 1059, A replaced by T.
Protein change: p.Lys353Asn; replaces lysine 353 with asparagine.
Molecular consequence: missense variant. On other transcripts: non-coding transcript variant (1), intron variant (1).
Genome position (GRCh38, 1-based): chr1:103,022,928, T>A on the plus strand (A>T on the coding strand, the complement: COL11A1 is on the minus strand). VCF-style: chr1-103022928-T-A. GRCh37 (hg19) VCF-style: chr1-103488484-T-A.
Other names: c.942A>T, p.Lys314Asn (NM_001190709.2); c.1095A>T, p.Lys365Asn (NM_080629.3); c.898-1159A>T (NM_080630.4); short protein forms K353N, K365N, K314N.
Identifiers: ClinVar variation 1364021 (VCV001364021.10), dbSNP rs572826781, ClinGen allele CA975122.
Genomic context (GRCh38, chr1:103,022,928, plus strand): 5'-CAGAAGATCAGAATCCCTGCCGTCTATTTCTTTGTTTTCATATAGTGTATCCTCAGAATT[T>A]TTCCTCTGGGAATCATAATCCTCTCCCGTTAGATATTCTTCAGTAAATATTTCTTCAACT-3'
Protein context (NP_001845.3, residues 343-363): LTGEDYDSQR[Lys353Asn]NSEDTLYENK